The following is an entry in ClinVar:

ClinVar aggregate classification (germline): Pathogenic (1 of 4 stars; one submission).

Conditions:
Chromosome 16p11.2 duplication syndrome. Identifiers: Orphanet 370079, MedGen C3553407, MONDO:0013847, OMIM 614671.

Submission:

Department of Prenatal Diagnosis, Henan Provincial People’s Hospital
Classification: Pathogenic for Chromosome 16p11.2 duplication syndrome. Last evaluated: 2026-11-25. Review status: criteria provided, single submitter. Criteria: ACMG/ClinGen CNV Guidelines, 2019. Collection method: research. Allele origin: de novo. Affected: yes. Observed: 1 variant allele.
Comment: Based on the "ACMG/ClinGen CNV Guidelines" (2019, PMID: 31690835), this dupliaction encompasses the triplosensitive genomic region-16p11.2 recurrent region (proximal, BP4-BP5) (includes TBX6)，which satisfies the criteria for Evidence Type 2A and is assigned a score of 1. As a result, the observed copy number duplication in this case achieves a cumulative score of ≥0.99, classifying it as a pathogenic copy number variant.

GRCh37/hg19 16p11.2(chr16:29673954-30198600)x3

Genes: ALDOA (aldolase, fructose-bisphosphate A; plus strand), ASPHD1 (aspartate beta-hydroxylase domain containing 1; plus strand), C16orf54 (chromosome 16 open reading frame 54; minus strand), CDIPT (CDP-diacylglycerol--inositol 3-phosphatidyltransferase; minus strand), CORO1A (coronin 1A; plus strand) and 22 more. Cytogenetic location: 16p11.2.
Variant type: copy number gain.
Change: copy number 3 (three copies instead of two) of chr16:29,673,954-30,198,600 (524.6 kb, GRCh37 coordinates, 1-based), cytogenetic band 16p11.2.
Identifiers: ClinVar variation 5043580 (VCV005043580.1).